The following is an entry in ClinVar:

ClinVar aggregate classification (germline): Uncertain significance (1 of 4 stars; one submission).

gnomAD v4.1: 1 of 1,613,964 alleles (0.000062%); highest among the groups gnomAD compares: Non-Finnish European, 0.000085%; no homozygotes.

Submission:

Labcorp Genetics (formerly Invitae), Labcorp
Classification: Uncertain significance. Last evaluated: 2022-11-14. Review status: criteria provided, single submitter. Criteria: Invitae Variant Classification Sherloc (09022015). Collection method: clinical testing. Allele origin: germline.
Comment: In summary, the available evidence is currently insufficient to determine the role of this variant in disease. Therefore, it has been classified as a Variant of Uncertain Significance. Algorithms developed to predict the effect of missense changes on protein structure and function are either unavailable or do not agree on the potential impact of this missense change (SIFT: "Tolerated"; PolyPhen-2: "Possibly Damaging"; Align-GVGD: "Class C0"). This variant has not been reported in the literature in individuals affected with SLC16A1-related conditions. This variant is not present in population databases (gnomAD no frequency). This sequence change replaces alanine, which is neutral and non-polar, with valine, which is neutral and non-polar, at codon 449 of the SLC16A1 protein (p.Ala449Val).

NM_003051.4(SLC16A1):c.1346C>T (p.Ala449Val)

Gene: SLC16A1 (solute carrier family 16 member 1; minus strand). Cytogenetic location: 1p13.2.
Variant type: single nucleotide variant.
Coding change: c.1346C>T on transcript NM_003051.4 (MANE Select); coding-DNA position 1346, C replaced by T.
Protein change: p.Ala449Val; replaces alanine 449 with valine.
Molecular consequence: missense variant.
Genome position (GRCh38, 1-based): chr1:112,914,048, G>A on the plus strand (C>T on the coding strand, the complement: SLC16A1 is on the minus strand). VCF-style: chr1-112914048-G-A. GRCh37 (hg19) VCF-style: chr1-113456670-G-A.
Other names: c.1346C>T, p.Ala449Val (NM_001166496.2); short protein forms A449V.
Identifiers: ClinVar variation 2814240 (VCV002814240.3), dbSNP rs2101618120, ClinGen allele CA341826985.
Genomic context (GRCh38, chr1:112,914,048, plus strand): 5'-TCTATACTGGTCTCTTCCTCTTTACTTTCCTTTTTCTGCTCGTTTGCTTTCTGTTCTTTT[G>A]CCAAAAGTCGATAATTGATGCCCATGCCAATGAAGAGATAGATACCTGAAATAATTAGGA-3'
Protein context (NP_003042.3, residues 439-459): IGMGINYRLL[Ala449Val]KEQKANEQKK